The following is an entry in ClinVar:

ClinVar aggregate classification (germline): Pathogenic/Likely pathogenic. Review status: criteria provided, multiple submitters, no conflicts (2 of 4 stars). 9 submissions from 8 submitters: Pathogenic (4); Likely pathogenic (5). Last evaluated 2026-02-01.

Conditions:
Complex neurodevelopmental disorder. Identifiers: Orphanet 528084, MedGen C5568766, MONDO:0100038.
Intellectual developmental disorder, autosomal dominant 6, with or without seizures. Also called: GRIN2B-related developmental delay, intellectual disability and autism spectrum disorder; Intellectual disability, autosomal dominant 6. Identifiers: Orphanet 589547, MedGen C3151411, MONDO:0013509, OMIM 613970.
Developmental and epileptic encephalopathy, 27 (DEE27). Also called: GRIN2B-Related Neurodevelopmental Disorder; Epileptic encephalopathy, early infantile, 27. Identifiers: Orphanet 3451, MedGen C4015316, MONDO:0014505, OMIM 616139.
GRIN2B-related disorder. Also called: GRIN2B-related condition.

Submissions (10):

CeGaT Center for Human Genetics Tuebingen
Classification: Likely pathogenic. Last evaluated: 2026-02-01. Review status: criteria provided, single submitter. Criteria: CeGaT Center For Human Genetics Tuebingen Variant Classification Criteria Version 2. Collection method: clinical testing. Allele origin: germline. Affected: yes. Observed: 1 variant allele.
Comment: GRIN2B: PM1, PM2, PM6:Supporting, PP2, PS4:Supporting

Dasa
Classification: Likely pathogenic. Last evaluated: 2025-11-15. Review status: criteria provided, single submitter. Criteria: DASA Assertion Criteria. Collection method: clinical testing. Allele origin: germline.
Comment: NM_000834.5(GRIN2B):c.1547A>G (p.Asn516Ser) is a missense variant that results in the substitution of asparagine with serine. The affected residue or protein region has prior evidence supporting clinical relevance. This variant has been reported in individuals with GRIN2B-related disorders (PMID: 37031308). This variant has been reported as a de novo occurrence in an affected individual (PMID: 37031308). Also, this variant is absent from population databases. Based on the currently available evidence, this variant is classified as likely pathogenic.

Labcorp Genetics (formerly Invitae), Labcorp
Classification: Pathogenic for Developmental and epileptic encephalopathy, 27; Intellectual developmental disorder, autosomal dominant 6, with or without seizures. Last evaluated: 2025-02-25. Review status: criteria provided, single submitter. Criteria: Invitae Variant Classification Sherloc (09022015). Collection method: clinical testing. Allele origin: germline.
Comment: This sequence change replaces asparagine, which is neutral and polar, with serine, which is neutral and polar, at codon 516 of the GRIN2B protein (p.Asn516Ser). This variant is not present in population databases (gnomAD no frequency). This missense change has been observed in individual(s) with clinical features of GRIN2B-related condition (PMID: 28377535). In at least one individual the variant was observed to be de novo. ClinVar contains an entry for this variant (Variation ID: 279975). Invitae Evidence Modeling of protein sequence and biophysical properties (such as structural, functional, and spatial information, amino acid conservation, physicochemical variation, residue mobility, and thermodynamic stability) indicates that this missense variant is expected to disrupt GRIN2B protein function with a positive predictive value of 95%. For these reasons, this variant has been classified as Pathogenic.

GeneDx
Classification: Pathogenic. Last evaluated: 2023-10-02. Review status: criteria provided, single submitter. Criteria: GeneDx Variant Classification Process June 2021. Collection method: clinical testing. Allele origin: germline. Affected: yes.
Comment: Not observed at significant frequency in large population cohorts (gnomAD); In silico analysis supports that this missense variant has a deleterious effect on protein structure/function; This variant is associated with the following publications: (PMID: 32144935, 28377535, 31526516, 27839871)

Institute of Medical Genetics and Applied Genomics, University Hospital Tübingen
Classification: Likely pathogenic for Intellectual developmental disorder, autosomal dominant 6, with or without seizures. Last evaluated: 2022-12-08. Review status: criteria provided, single submitter. Criteria: ACMG Guidelines, 2015. Collection method: clinical testing. Allele origin: germline. Inheritance: Autosomal dominant inheritance. Affected: yes.

Blueprint Genetics
Classification: Pathogenic for GRIN2B-related disorders. Last evaluated: 2022-08-16. Review status: criteria provided, single submitter. Criteria: ACMG Guidelines, 2015. Collection method: clinical testing. Allele origin: germline. Affected: yes. Observed: 1 variant allele.

Institute of Human Genetics, University of Leipzig Medical Center
Classification: Pathogenic for Developmental and epileptic encephalopathy, 27. Last evaluated: 2022-01-12. Review status: criteria provided, single submitter. Criteria: ACMG Guidelines, 2015. Collection method: clinical testing. Allele origin: de novo. Affected: yes.
Comment: This variant was identified as de novo (maternity and paternity confirmed)._x000D_ Criteria applied: PS2_VSTR, PS4_MOD, PM2_SUP, PP3

Institute of Human Genetics, University of Leipzig Medical Center
Classification: Likely pathogenic for Intellectual developmental disorder, autosomal dominant 6, with or without seizures. Last evaluated: 2017-04-04. Review status: criteria provided, single submitter. Criteria: ACMG Guidelines, 2015. Collection method: clinical testing. Allele origin: de novo. Affected: yes.
Comment: This variant was identified as de novo (maternity and paternity confirmed).

Juno Genomics, Hangzhou Juno Genomics, Inc
Classification: Likely pathogenic for Developmental and epileptic encephalopathy, 27; Intellectual developmental disorder, autosomal dominant 6, with or without seizures. Review status: criteria provided, single submitter. Criteria: ACMG Guidelines, 2015. Collection method: clinical testing. Allele origin: germline. Affected: yes.
Comment: Absent from controls (or at extremely low frequency if recessive) in Genome Aggregation Database.;Missense variant in a gene that has a low rate of benign missense variation.;The prevalence of the variant in affected individuals is significantly increased compared to the prevalence in controls.;Assumed de novo, but without confirmation of paternity and maternity.;Located in a mutational hot spot and/or critical and well-established functional domain without benign variation.

Dr. Peter K. Rogan Lab, Western University
No classification provided (evidence only). Condition: Ovarian serous cystadenocarcinoma. Review status: no classification provided. Collection method: in vitro. Allele origin: not applicable. Functional consequence: retained intron. Not counted in ClinVar's aggregate classification.

Literature cited by the submitters: PubMed 37031308 (cited by Dasa); PubMed 28377535 (cited by Labcorp Genetics (formerly Invitae), Labcorp and Institute of Human Genetics, University of Leipzig Medical Center).

NM_000834.5(GRIN2B):c.1547A>G (p.Asn516Ser)

Gene: GRIN2B (glutamate ionotropic receptor NMDA type subunit 2B; minus strand). Cytogenetic location: 12p13.1.
Variant type: single nucleotide variant.
Coding change: c.1547A>G on transcript NM_000834.5 (MANE Select); coding-DNA position 1547, A replaced by G.
Protein change: p.Asn516Ser; replaces asparagine 516 with serine.
Molecular consequence: missense variant.
Genome position (GRCh38, 1-based): chr12:13,615,221, T>C on the plus strand (A>G on the coding strand, the complement: GRIN2B is on the minus strand). VCF-style: chr12-13615221-T-C. GRCh37 (hg19) VCF-style: chr12-13768155-T-C.
Other names: short protein forms N516S.
Identifiers: ClinVar variation 279975 (VCV000279975.28), dbSNP rs886041295, ClinGen allele CA10603239.